The following is an entry in ClinVar:

ClinVar aggregate classification (germline): Uncertain significance. Review status: criteria provided, multiple submitters, no conflicts (2 of 4 stars). 2 submissions from 2 submitters: Uncertain significance (2). Last evaluated 2024-12-16.

Conditions:
Inborn genetic diseases. Identifiers: MedGen C0950123, MeSH D030342.
Spastic paraplegia. Identifiers: MedGen C0037772, HP:0001258.

Allele frequency attached by ClinVar (database versions not stated): gnomAD 0.00001; gnomAD exomes 0.00001 and 0.00004; TOPMed 0.00002; ESP Exome Variant Server 0.00008.
gnomAD v4.1: 57 of 1,613,978 alleles (0.0035%); highest among the groups gnomAD compares: African/African-American, 0.004%; no homozygotes.

Submissions (2):

Ambry Genetics
Classification: Uncertain significance for Inborn genetic diseases. Last evaluated: 2024-12-16. Review status: criteria provided, single submitter. Criteria: Ambry Variant Classification Scheme 2023. Collection method: clinical testing. Allele origin: germline.

Labcorp Genetics (formerly Invitae), Labcorp
Classification: Uncertain significance for Spastic paraplegia. Last evaluated: 2022-11-28. Review status: criteria provided, single submitter. Criteria: Invitae Variant Classification Sherloc (09022015). Collection method: clinical testing. Allele origin: germline.
Comment: In summary, the available evidence is currently insufficient to determine the role of this variant in disease. Therefore, it has been classified as a Variant of Uncertain Significance. Algorithms developed to predict the effect of missense changes on protein structure and function output the following: SIFT: "Tolerated"; PolyPhen-2: "Benign"; Align-GVGD: "Class C0". The valine amino acid residue is found in multiple mammalian species, which suggests that this missense change does not adversely affect protein function. ClinVar contains an entry for this variant (Variation ID: 1420402). This variant has not been reported in the literature in individuals affected with AP4E1-related conditions. This variant is present in population databases (rs368584847, gnomAD 0.008%). This sequence change replaces alanine, which is neutral and non-polar, with valine, which is neutral and non-polar, at codon 65 of the AP4E1 protein (p.Ala65Val).

NM_007347.5(AP4E1):c.194C>T (p.Ala65Val)

Gene: AP4E1 (adaptor related protein complex 4 subunit epsilon 1; plus strand). Cytogenetic location: 15q21.2.
Variant type: single nucleotide variant.
Coding change: c.194C>T on transcript NM_007347.5 (MANE Select); coding-DNA position 194, C replaced by T.
Protein change: p.Ala65Val; replaces alanine 65 with valine.
Molecular consequence: missense variant. On other transcripts: 5 prime UTR variant (1).
Genome position (GRCh38, 1-based): chr15:50,912,121, C>T. VCF-style: chr15-50912121-C-T. GRCh37 (hg19) VCF-style: chr15-51204318-C-T.
Other names: c.-55C>T (NM_001252127.2); c.194C>T (NM_007347.3); short protein forms A65V.
Identifiers: ClinVar variation 1420402 (VCV001420402.7), dbSNP rs368584847, ClinGen allele CA270499249.
Genomic context (GRCh38, chr15:50,912,121, plus strand): 5'-TATTTTCACTTTCTCAGGAAGAAGAAAAATTAATCCAGCAGGAACTGAGTAGTCTGAAAG[C>T]GACTGTTTCTGCTCCTACTACAACACTGGTAGGTTTGCATAGTCAGTGCCAACACATTTG-3'
Protein context (NP_031373.2, residues 55-75): LIQQELSSLK[Ala65Val]TVSAPTTTLK